The following is an entry in ClinVar:

ClinVar aggregate classification (germline): Conflicting classifications of pathogenicity. Review status: criteria provided, conflicting classifications (1 of 4 stars). 4 submissions from 4 submitters: Uncertain significance (2); Likely benign (2). Last evaluated 2024-03-11.

Conditions:
Cardiovascular phenotype. Identifiers: MedGen CN230736.
Alstrom syndrome (ALMS). Identifiers: Orphanet 64, MedGen C0268425, MONDO:0008763, OMIM 203800.

Allele frequency attached by ClinVar (database versions not stated): gnomAD exomes below 0.00001; TOPMed 0.00001.
gnomAD v4.1: 24 of 1,611,534 alleles (0.0015%); highest among the groups gnomAD compares: Non-Finnish European, 0.002%; no homozygotes.

Submissions (4):

Ambry Genetics
Classification: Likely benign for Cardiovascular phenotype. Last evaluated: 2024-03-11. Review status: criteria provided, single submitter. Criteria: Ambry Variant Classification Scheme 2023. Collection method: clinical testing. Allele origin: germline.

Blueprint Genetics
Classification: Likely benign. Last evaluated: 2022-11-28. Review status: criteria provided, single submitter. Criteria: ACMG Guidelines, 2015. Collection method: clinical testing. Allele origin: germline.

Labcorp Genetics (formerly Invitae), Labcorp
Classification: Uncertain significance for Alstrom syndrome. Last evaluated: 2021-10-22. Review status: criteria provided, single submitter. Criteria: Invitae Variant Classification Sherloc (09022015). Collection method: clinical testing. Allele origin: germline.
Comment: This sequence change replaces methionine, which is neutral and non-polar, with valine, which is neutral and non-polar, at codon 3508 of the ALMS1 protein (p.Met3508Val). This variant is present in population databases (no rsID available, gnomAD 0.0009%). This variant has not been reported in the literature in individuals affected with ALMS1-related conditions. Experimental studies and prediction algorithms are not available or were not evaluated, and the functional significance of this variant is currently unknown. In summary, the available evidence is currently insufficient to determine the role of this variant in disease. Therefore, it has been classified as a Variant of Uncertain Significance.

Fulgent Genetics
Classification: Uncertain significance for Alstrom syndrome. Last evaluated: 2021-07-26. Review status: criteria provided, single submitter. Criteria: ACMG Guidelines, 2015. Collection method: clinical testing. Allele origin: unknown.

NM_001378454.1(ALMS1):c.10519A>G (p.Met3507Val)

Gene: ALMS1 (ALMS1 centrosome and basal body associated protein; plus strand). Cytogenetic location: 2p13.1.
Variant type: single nucleotide variant.
Coding change: c.10519A>G on transcript NM_001378454.1 (MANE Select); coding-DNA position 10519, A replaced by G.
Protein change: p.Met3507Val; replaces methionine 3507 with valine.
Molecular consequence: missense variant.
Genome position (GRCh38, 1-based): chr2:73,572,396, A>G. VCF-style: chr2-73572396-A-G. GRCh37 (hg19) VCF-style: chr2-73799523-A-G.
Other names: c.10522A>G, p.Met3508Val (NM_015120.4); short protein forms M3507V, M3508V.
Identifiers: ClinVar variation 1435134 (VCV001435134.6), dbSNP rs1350031802, ClinGen allele CA347283356.